The following is an entry in ClinVar:

ClinVar aggregate classification (germline): Uncertain significance (1 of 4 stars; one submission).

Allele frequency attached by ClinVar (database versions not stated): gnomAD exomes below 0.00001.
gnomAD v4.1: 2 of 1,613,912 alleles (0.00012%); highest among the groups gnomAD compares: Admixed American, 0.0017%; no homozygotes.

Submission:

Greenwood Genetic Center Diagnostic Laboratories, Greenwood Genetic Center
Classification: Uncertain significance. Last evaluated: 2021-08-16. Review status: criteria provided, single submitter. Criteria: ACMG Guidelines, 2015. Collection method: clinical testing. Allele origin: germline. Affected: yes.
Comment: PM2

NM_017721.5(CC2D1A):c.2788-12C>T

Gene: CC2D1A (coiled-coil and C2 domain containing 1A; plus strand). Cytogenetic location: 19p13.12.
Variant type: single nucleotide variant.
Coding change: c.2788-12C>T on transcript NM_017721.5 (MANE Select); 12 bases into the intron before coding-DNA position 2788, C replaced by T.
Molecular consequence: intron variant.
Genome position (GRCh38, 1-based): chr19:13,930,230, C>T. VCF-style: chr19-13930230-C-T. GRCh37 (hg19) VCF-style: chr19-14041043-C-T.
Identifiers: ClinVar variation 1334555 (VCV001334555.4), dbSNP rs1403852351, ClinGen allele CA631885164.
Genomic context (GRCh38, chr19:13,930,230, plus strand): 5'-GCCGGGTGGGCACTGGGCAGCGGGCAGGGTGGGGCCTGCAGGGACTACCTGCTGAATGCC[C>T]ATCCCCCACAGGATGCTGCAAAGGAGGCGCTCTATAGGCGGAATCTGGTAGAGAGTGAGG-3'